The following is an entry in ClinVar:

ClinVar aggregate classification (germline): Uncertain significance (1 of 4 stars; one submission).

Conditions:
Primary ciliary dyskinesia. Also called: Ciliary dyskinesia. Identifiers: Orphanet 244, MedGen C0008780, MONDO:0016575, HP:0012265.

Submission:

Labcorp Genetics (formerly Invitae), Labcorp
Classification: Uncertain significance for Primary ciliary dyskinesia. Last evaluated: 2022-06-13. Review status: criteria provided, single submitter. Criteria: Invitae Variant Classification Sherloc (09022015). Collection method: clinical testing. Allele origin: germline.
Comment: This sequence change replaces serine, which is neutral and polar, with asparagine, which is neutral and polar, at codon 3916 of the DNAH8 protein (p.Ser3916Asn). This variant is not present in population databases (gnomAD no frequency). In summary, the available evidence is currently insufficient to determine the role of this variant in disease. Therefore, it has been classified as a Variant of Uncertain Significance. Algorithms developed to predict the effect of missense changes on protein structure and function are either unavailable or do not agree on the potential impact of this missense change (SIFT: "Deleterious"; PolyPhen-2: "Not Available"; Align-GVGD: "Class C0"). This variant has not been reported in the literature in individuals affected with DNAH8-related conditions.

NM_001206927.2(DNAH8):c.11747G>A (p.Ser3916Asn)

Genes: DNAH8 (dynein axonemal heavy chain 8; plus strand), DNAH8-AS1 (DNAH8 antisense RNA 1; minus strand). Cytogenetic location: 6p21.2.
Variant type: single nucleotide variant.
Coding change: c.11747G>A on transcript NM_001206927.2 (MANE Select); coding-DNA position 11747, G replaced by A.
Protein change: p.Ser3916Asn; replaces serine 3916 with asparagine.
Molecular consequence: missense variant.
Genome position (GRCh38, 1-based): chr6:38,938,157, G>A. VCF-style: chr6-38938157-G-A. GRCh37 (hg19) VCF-style: chr6-38905933-G-A.
Other names: c.11096G>A, p.Ser3699Asn (NM_001371.4); short protein forms S3699N, S3916N.
Identifiers: ClinVar variation 1350430 (VCV001350430.6), dbSNP rs2150592878, ClinGen allele CA364021078.